The following is an entry in ClinVar:

ClinVar aggregate classification (germline): Uncertain significance (1 of 4 stars; one submission).

Conditions:
Cardiovascular phenotype. Identifiers: MedGen CN230736.

Allele frequency attached by ClinVar (database versions not stated): ExAC 0.00002.
gnomAD v4.1: 9 of 1,614,172 alleles (0.00056%); highest among the groups gnomAD compares: South Asian, 0.0055%; no homozygotes.

Submission:

Ambry Genetics
Classification: Uncertain significance for Cardiovascular phenotype. Last evaluated: 2022-06-22. Review status: criteria provided, single submitter. Criteria: Ambry Variant Classification Scheme 2023. Collection method: clinical testing. Allele origin: germline.
Comment: The p.V72I variant (also known as c.214G>A), located in coding exon 2 of the ABCG5 gene, results from a G to A substitution at nucleotide position 214. The valine at codon 72 is replaced by isoleucine, an amino acid with highly similar properties. This amino acid position is conserved. In addition, this alteration is predicted to be tolerated by in silico analysis. Since supporting evidence is limited at this time, the clinical significance of this alteration remains unclear.

NM_022436.3(ABCG5):c.214G>A (p.Val72Ile)

Gene: ABCG5 (ATP binding cassette subfamily G member 5; minus strand). Cytogenetic location: 2p21.
Variant type: single nucleotide variant.
Coding change: c.214G>A on transcript NM_022436.3 (MANE Select); coding-DNA position 214, G replaced by A.
Protein change: p.Val72Ile; replaces valine 72 with isoleucine.
Molecular consequence: missense variant.
Genome position (GRCh38, 1-based): chr2:43,837,885, C>T on the plus strand (G>A on the coding strand, the complement: ABCG5 is on the minus strand). VCF-style: chr2-43837885-C-T. GRCh37 (hg19) VCF-style: chr2-44065024-C-T.
Other names: short protein forms V72I.
Identifiers: ClinVar variation 1786718 (VCV001786718.2), dbSNP rs768541576, ClinGen allele CA1636747.